The following is an entry in ClinVar:

ClinVar aggregate classification (germline): Pathogenic (1 of 4 stars; one submission).

Conditions:
Malignant hyperthermia, susceptibility to, 5 (MHS5). Also called: CACNA1S-Related Malignant Hyperthermia Susceptibility. Identifiers: Orphanet 423, MedGen C1866077, MONDO:0011163, OMIM 601887.
Hypokalemic periodic paralysis, type 1. Also called: Hypokalemic Periodic Paralysis Type 1 (AD); HypoPP. Identifiers: Orphanet 681, MedGen C3714580, MONDO:0042979, OMIM 170400.

Submission:

Labcorp Genetics (formerly Invitae), Labcorp
Classification: Pathogenic for Hypokalemic periodic paralysis, type 1; Malignant hyperthermia, susceptibility to, 5. Last evaluated: 2024-01-08. Review status: criteria provided, single submitter. Criteria: Invitae Variant Classification Sherloc (09022015). Collection method: clinical testing. Allele origin: germline.
Comment: This sequence change creates a premature translational stop signal (p.Ile1189Metfs*53) in the CACNA1S gene. It is expected to result in an absent or disrupted protein product. Loss-of-function variants in CACNA1S are known to be pathogenic (PMID: 26247046, 28012042). This variant is not present in population databases (gnomAD no frequency). This variant has not been reported in the literature in individuals affected with CACNA1S-related conditions. For these reasons, this variant has been classified as Pathogenic.

Literature cited by the submitters: PubMed 26247046; PubMed 28012042.

NM_000069.3(CACNA1S):c.3567del (p.Ile1189fs)

Gene: CACNA1S (calcium voltage-gated channel subunit alpha1 S; minus strand). Cytogenetic location: 1q32.1.
Variant type: Deletion.
Coding change: c.3567del on transcript NM_000069.3 (MANE Select); coding-DNA position 3567, one base deleted (T; older notation c.3567delT).
Protein change: p.Ile1189fs; shifts the reading frame from isoleucine 1189.
Molecular consequence: frameshift variant.
Genome position (GRCh38, 1-based): chr1:201,058,450, A deleted on the plus strand (T on the coding strand, the reverse complement: CACNA1S is on the minus strand); the first of 2 consecutive A bases (chr1:201,058,450-201,058,451); deleting either gives the same sequence. VCF-style (leftmost placement, unchanged base first): chr1-201058449-CA-C. GRCh37 (hg19) VCF-style: chr1-201027577-CA-C.
Other names: short protein forms I1189fs.
Identifiers: ClinVar variation 2922029 (VCV002922029.3), dbSNP rs2464486306, ClinGen allele CA2740090467.